The following is an entry in ClinVar:

Conditions:
Breast-ovarian cancer, familial, susceptibility to, 1 (BROVCA1). Also called: BRCA1 Hereditary Breast and Ovarian Cancer; OVARIAN CANCER, SUSCEPTIBILITY TO. Identifiers: Orphanet 145, MedGen C2676676, MONDO:0011450, OMIM 604370. Disease mechanism: loss of function.

Submission:

Brotman Baty Institute, University of Washington
No classification provided (evidence only). Condition: Breast-ovarian cancer, familial 1. Review status: no classification provided. Collection method: in vitro. Allele origin: not applicable. Functional consequence: functionally_normal.
ClinVar note: "not provided" was previously submitted as the classification for the variant. However, the classification appeared to be based only on an observation of functional data so it was converted to no classification on 2025-07-30.

NM_007294.4(BRCA1):c.5256A>G (p.Ala1752=)

Gene: BRCA1 (BRCA1 DNA repair associated; minus strand). Cytogenetic location: 17q21.31.
Variant type: single nucleotide variant.
Coding change: c.5256A>G on transcript NM_007294.4 (MANE Select); coding-DNA position 5256, A replaced by G.
Protein change: p.Ala1752=; no amino-acid change (alanine 1752 retained).
Molecular consequence: synonymous variant.
Genome position (GRCh38, 1-based): chr17:43,057,073, T>C on the plus strand (A>G on the coding strand, the complement: BRCA1 is on the minus strand). VCF-style: chr17-43057073-T-C. GRCh37 (hg19) VCF-style: chr17-41209090-T-C.
Other names: c.5043A>G, p.Ala1681= (NM_001407571.1, NM_001407894.1, NM_001407895.1 and 12 more transcripts); c.5322A>G, p.Ala1774= (NM_001407581.1, NM_001407582.1); c.5319A>G, p.Ala1773= (NM_001407583.1, NM_001407585.1, NM_001407587.1 and 1 more transcripts); c.5316A>G, p.Ala1772= (NM_001407590.1, NM_001407591.1); c.5256A>G, p.Ala1752= (NM_001407593.1, NM_001407594.1, NM_001407596.1 and 7 more transcripts); c.5253A>G, p.Ala1751= (NM_001407610.1, NM_001407611.1, NM_001407612.1 and 17 more transcripts); c.5250A>G, p.Ala1750= (NM_001407627.1, NM_001407628.1, NM_001407629.1 and 14 more transcripts); c.5247A>G, p.Ala1749= (NM_001407644.1, NM_001407645.1); and 72 more.
Identifiers: ClinVar variation 868231 (VCV000868231.3), dbSNP rs80356844, ClinGen allele CA500144584.